The following is an entry in ClinVar:

NM_138387.4(G6PC3):c.305C>T (p.Ser102Phe)

Gene: G6PC3 (glucose-6-phosphatase catalytic subunit 3; plus strand). Cytogenetic location: 17q21.31.
Variant type: single nucleotide variant.
Coding change: c.305C>T on transcript NM_138387.4 (MANE Select); coding-DNA position 305, C replaced by T.
Protein change: p.Ser102Phe; replaces serine 102 with phenylalanine.
Molecular consequence: missense variant. On other transcripts: 5 prime UTR variant (4).
Genome position (GRCh38, 1-based): chr17:44,074,246, C>T. VCF-style: chr17-44074246-C-T. GRCh37 (hg19) VCF-style: chr17-42151614-C-T.
Other names: c.305C>T, p.Ser102Phe (NM_001319945.2); c.-41C>T (NM_001384165.1, NM_001384166.1, NM_001384167.1 and 1 more transcripts); c.305C>T (NM_138387.3); short protein forms S102F.
Identifiers: ClinVar variation 1372973 (VCV001372973.7), dbSNP rs750742016, ClinGen allele CA8595967.
Genomic context (GRCh38, chr17:44,074,246, plus strand): 5'-GGTGGGTCCATGAGTCTGGTTACTACAGCCAGGCTCCAGCCCAGGTTCACCAGTTCCCCT[C>T]TTCTTGTGAGACTGGTCCAGGTGGGAAGCCTCAAACATTCTCCCTTTCCCAATGTGGTTA-3'
Protein context (NP_612396.1, residues 92-112): QAPAQVHQFP[Ser102Phe]SCETGPGSPS

ClinVar aggregate classification (germline): Uncertain significance. Review status: criteria provided, multiple submitters, no conflicts (2 of 4 stars). 2 submissions from 2 submitters: Uncertain significance (2). Last evaluated 2026-06-22.

Conditions:
Inborn genetic diseases. Identifiers: MedGen C0950123, MeSH D030342.
Autosomal recessive severe congenital neutropenia due to G6PC3 deficiency. Also called: NEUTROPENIA, SEVERE CONGENITAL, 4, AUTOSOMAL RECESSIVE; G6PC3 Deficiency. Identifiers: Orphanet 331176, MedGen C2751630, MONDO:0012930, OMIM 612541.

Allele frequency attached by ClinVar (database versions not stated): gnomAD exomes below 0.00001; ExAC 0.00001.
gnomAD v4.1: 4 of 1,613,094 alleles (0.00025%); highest among the groups gnomAD compares: East Asian, 0.0022%; no homozygotes.

Submissions (2):

Ambry Genetics
Classification: Uncertain significance for Inborn genetic diseases. Last evaluated: 2026-06-22. Review status: criteria provided, single submitter. Criteria: Ambry Variant Classification Scheme 2023. Collection method: clinical testing. Allele origin: germline.
Comment: The p.S102F variant (also known as c.305C>T), located in coding exon 2 of the G6PC3 gene, results from a C to T substitution at nucleotide position 305. The serine at codon 102 is replaced by phenylalanine, an amino acid with highly dissimilar properties. This amino acid position is conserved. In addition, this alteration is predicted to be tolerated by in silico analysis. Based on the available evidence, the clinical significance of this variant remains unclear.

Labcorp Genetics (formerly Invitae), Labcorp
Classification: Uncertain significance for Autosomal recessive severe congenital neutropenia due to G6PC3 deficiency. Last evaluated: 2023-08-10. Review status: criteria provided, single submitter. Criteria: Invitae Variant Classification Sherloc (09022015). Collection method: clinical testing. Allele origin: germline.
Comment: In summary, the available evidence is currently insufficient to determine the role of this variant in disease. Therefore, it has been classified as a Variant of Uncertain Significance. This sequence change replaces serine, which is neutral and polar, with phenylalanine, which is neutral and non-polar, at codon 102 of the G6PC3 protein (p.Ser102Phe). This variant is present in population databases (rs750742016, gnomAD 0.0009%). This variant has not been reported in the literature in individuals affected with G6PC3-related conditions. ClinVar contains an entry for this variant (Variation ID: 1372973). Advanced modeling of protein sequence and biophysical properties (such as structural, functional, and spatial information, amino acid conservation, physicochemical variation, residue mobility, and thermodynamic stability) performed at Invitae indicates that this missense variant is not expected to disrupt G6PC3 protein function. Algorithms developed to predict the effect of sequence changes on RNA splicing suggest that this variant may disrupt the consensus splice site.